The following is an entry in ClinVar:

ClinVar aggregate classification (germline): Benign (1 of 4 stars; one submission).

Conditions:
Autosomal dominant limb-girdle muscular dystrophy type 1D (DNAJB6) (LGMDD1). Also called: MUSCULAR DYSTROPHY, LIMB-GIRDLE, TYPE 1D; MUSCULAR DYSTROPHY, AUTOSOMAL DOMINANT, WITH RIMMED VACUOLES; Autosomal dominant limb-girdle muscular dystrophy type 1D; Muscular dystrophy, limb-girdle, autosomal dominant 1. Identifiers: Orphanet 34516, MedGen C4721885, MONDO:0021018, OMIM 603511.

Allele frequency attached by ClinVar (database versions not stated): gnomAD 0.08564 and 0.09177; 1000 Genomes Project 0.09006; 1000 Genomes Project 30x 0.09541; TOPMed 0.09615.

Submission:

Illumina Laboratory Services, Illumina
Classification: Benign for Autosomal dominant limb-girdle muscular dystrophy type 1D (DNAJB6). Last evaluated: 2018-01-12. Review status: criteria provided, single submitter. Criteria: ICSL Variant Classification Criteria 13 December 2019. Collection method: clinical testing. Allele origin: germline.
Comment: This variant was observed in the ICSL laboratory as part of a predisposition screen in an ostensibly healthy population. It had not been previously curated by ICSL or reported in the Human Gene Mutation Database (HGMD: prior to June 1st, 2018), and was therefore a candidate for classification through an automated scoring system. Utilizing variant allele frequency, disease prevalence and penetrance estimates, and inheritance mode, an automated score was calculated to assess if this variant is too frequent to cause the disease. Based on the score and internal cut-off values, a variant classified as benign is not then subjected to further curation. The score for this variant resulted in a classification of benign for this disease.

NM_058246.4(DNAJB6):c.*726A>G

Gene: DNAJB6 (DnaJ heat shock protein family (Hsp40) member B6; plus strand). Cytogenetic location: 7q36.3.
Variant type: single nucleotide variant.
Coding change: c.*726A>G on transcript NM_058246.4 (MANE Select); 726 bases downstream of the stop codon, A replaced by G.
Molecular consequence: 3 prime UTR variant.
Genome position (GRCh38, 1-based): chr7:157,416,824, A>G. VCF-style: chr7-157416824-A-G. GRCh37 (hg19) VCF-style: chr7-157209518-A-G.
Other names: c.*726A>G (NM_001363676.1).
Identifiers: ClinVar variation 359473 (VCV000359473.6), dbSNP rs7787595, ClinGen allele CA10628675.
Genomic context (GRCh38, chr7:157,416,824, plus strand): 5'-TATTTTTAGCAAAAAATTTTTGCTCAGTGGCACTCTCCCTAGTGTCCATGGGTTAGGGCC[A>G]TGCTGGGGAAAACGGGCCGGTATTTACACACGCGCAAAACACCCAGAGACGGCACAAGGA-3'